The following is an entry in ClinVar:

NM_020778.5(ALPK3):c.4391del (p.Asn1464fs)

Gene: ALPK3 (alpha kinase 3; plus strand). Cytogenetic location: 15q25.3.
Variant type: Deletion.
Coding change: c.4391del on transcript NM_020778.5 (MANE Select); coding-DNA position 4391, one base deleted (A; older notation c.4391delA).
Protein change: p.Asn1464fs; shifts the reading frame from asparagine 1464.
Molecular consequence: frameshift variant.
Genome position (GRCh38, 1-based): chr15:84,862,896, A deleted; the last of 3 consecutive A bases (chr15:84,862,894-84,862,896); deleting any one gives the same sequence. VCF-style (leftmost placement, unchanged base first): chr15-84862893-GA-G. GRCh37 (hg19) VCF-style: chr15-85406124-GA-G.
Other names: c.4391delA (NM_020778.5); short protein forms N1464fs.
Identifiers: ClinVar variation 666961 (VCV000666961.25), dbSNP rs1450218521, ClinGen allele CA619855304.
Genomic context (GRCh38, chr15:84,862,893, plus strand): 5'-TCATCAAGGTGTCCAGCCTGCTTGTGTTTGGGCCCAGCAGTGAGACTTCTCTTGTGGGCA[GA>G]AACTACGACGTCACCATCCAGGTACTATGTCCCATCTTCACACCCCATTCTTTTATTCTC-3'

ClinVar aggregate classification (germline): Pathogenic/Likely pathogenic. Review status: criteria provided, multiple submitters, no conflicts (2 of 4 stars). 10 submissions from 10 submitters: Pathogenic (6); Likely pathogenic (2). 2 of the submissions do not count toward it. Last evaluated 2026-08-01.

Conditions:
ALPK3-related disorder. Also called: ALPK3-related condition.
Cardiovascular phenotype. Identifiers: MedGen CN230736.
Cardiomyopathy, familial hypertrophic 27. Identifiers: MedGen C4748014, MONDO:0054838, OMIM 618052.
Cardiomyopathy (CMYO). Also called: Cardiomyopathies. Identifiers: Orphanet 167848, MedGen C0878544, MONDO:0004994, HP:0001638. Inheritance: Various modes of inheritance.
Hypertrophic cardiomyopathy. Also called: HYPERTROPHIC MYOCARDIOPATHY. Identifiers: Orphanet 217569, MedGen C0007194, MeSH D002312, MONDO:0005045, HP:0001639.

Submissions (10):

CeGaT Center for Human Genetics Tuebingen
Classification: Pathogenic. Last evaluated: 2026-08-01. Review status: criteria provided, single submitter. Criteria: CeGaT Center For Human Genetics Tuebingen Variant Classification Criteria Version 2. Collection method: clinical testing. Allele origin: germline. Affected: yes. Observed: 2 variant alleles.
Comment: ALPK3: PVS1, PM2, PM3

PreventionGenetics, part of Exact Sciences
Classification: Pathogenic for ALPK3-related condition. Last evaluated: 2026-03-04. Review status: criteria provided, single submitter. Criteria: ACMG Guidelines, 2015. Collection method: clinical testing. Allele origin: germline.
Comment: The ALPK3 c.4997delA variant is predicted to result in a frameshift and premature protein termination (p.Asn1666Thrfs*14). This variant has been reported in the heterozygous state in one individual with arrhythmogenic right ventricular cardiomyopathy and in one individual with hypertrophic cardiomyopathy who also carried an additional cardiac variant (online supplementary file 2, van Lint et al. 2019. PubMed ID: 30847666). This variant has also been reported in the compound heterozygous state in an individual with hypertrophic cardiomyopathy (Table II; Herkert et al. 2020. PubMed ID: 32480058). This variant is reported in 0.00088% of alleles in individuals of European (Non-Finnish) descent in gnomAD. Frameshift variants in ALPK3 are expected to be pathogenic. This variant is interpreted as pathogenic.

Labcorp Genetics (formerly Invitae), Labcorp
Classification: Pathogenic. Last evaluated: 2025-11-26. Review status: criteria provided, single submitter. Criteria: Invitae Variant Classification Sherloc (09022015). Collection method: clinical testing. Allele origin: germline.
Comment: This sequence change creates a premature translational stop signal (p.Asn1666Thrfs*14) in the ALPK3 gene. It is expected to result in an absent or disrupted protein product. Loss-of-function variants in ALPK3 are known to be pathogenic (PMID: 21441111, 26846950, 27106955, 34263907). This variant is present in population databases (no rsID available, gnomAD 0.0009%). This premature translational stop signal has been observed in individual(s) with hypertrophic cardiomyopathy (PMID: 32480058). ClinVar contains an entry for this variant (Variation ID: 666961). For these reasons, this variant has been classified as Pathogenic.

Ambry Genetics
Classification: Pathogenic for Cardiovascular phenotype. Last evaluated: 2025-07-08. Review status: criteria provided, single submitter. Criteria: Ambry Variant Classification Scheme 2023. Collection method: clinical testing. Allele origin: germline.
Comment: The c.4997delA pathogenic mutation, located in coding exon 10 of the ALPK3 gene, results from a deletion of one nucleotide at nucleotide position 4997, causing a translational frameshift with a predicted alternate stop codon (p.N1666Tfs*14). This variant co-occurred with a missense variant in ALPK3 in a proband with hypertrophic cardiomyopathy (HCM), and has been detected in cohorts referred for HCM and arrhythmogenic right ventricular cardiomyopathy genetic testing (van Lint FHM et al. Neth Heart J, 2019 Jun;27:304-309; Herkert JC et al. Am Heart J, 2020 07;225:108-119). This variant is considered to be rare based on population cohorts in the Genome Aggregation Database (gnomAD). This alteration is expected to result in loss of function by premature protein truncation or nonsense-mediated mRNA decay. Based on the supporting evidence, this alteration is interpreted as a disease-causing mutation.

Women's Health and Genetics/Laboratory Corporation of America, LabCorp
Classification: Pathogenic for Cardiomyopathy. Last evaluated: 2024-12-27. Review status: criteria provided, single submitter. Criteria: LabCorp Variant Classification Summary - May 2015. Collection method: clinical testing. Allele origin: germline.
Comment: Variant summary: ALPK3 c.4391delA (p.Asn1464ThrfsX14) results in a premature termination codon, predicted to cause a truncation of the encoded protein or absence of the protein due to nonsense mediated decay, which are commonly known mechanisms for disease. The variant allele was found at a frequency of 4e-06 in 251210 control chromosomes (gnomAD). c.4391delA has been reported in the literature in individuals affected with Cardiomyopathy (van Lint_2019, Herkert_2020). These data indicate that the variant may be associated with disease. To our knowledge, no experimental evidence demonstrating an impact on protein function has been reported. The following publications have been ascertained in the context of this evaluation (PMID: 32480058, 30847666). ClinVar contains an entry for this variant (Variation ID: 666961). Based on the evidence outlined above, the variant was classified as pathogenic.

GeneDx
Classification: Pathogenic. Last evaluated: 2024-08-26. Review status: criteria provided, single submitter. Criteria: GeneDx Variant Classification Process June 2021. Collection method: clinical testing. Allele origin: germline.
Comment: Not observed at significant frequency in large population cohorts (gnomAD); Frameshift variant predicted to result in protein truncation or nonsense mediated decay in a gene for which loss of function is a known mechanism of disease; Also known as p.(N1666TfsX14); This variant is associated with the following publications: (PMID: 30847666, 33076350, 32480058)

KardioGenetik, Herz- und Diabeteszentrum NRW
Classification: Likely pathogenic for Cardiomyopathy, familial hypertrophic 27. Last evaluated: 2024-06-21. Review status: criteria provided, single submitter. Criteria: ACMG Guidelines, 2015. Collection method: clinical testing. Allele origin: unknown. Affected: yes. Observed: 1 variant allele.
Comment: Detected without any additional variants. ACMG-criteria applied: PVS1, PM2_supporting

Laboratory for Molecular Medicine, Mass General Brigham Personalized Medicine
Classification: Likely pathogenic for Hypertrophic cardiomyopathy. Last evaluated: 2018-03-19. Review status: criteria provided, single submitter. Criteria: LMM Criteria. Collection method: clinical testing. Allele origin: germline. Inheritance: Autosomal recessive inheritance. Observed: 1 variant allele.
Comment: The p.Asn1666fs variant in ALPK3 has not been previously reported in individuals with cardiomyopathy, but has been identified in 1/111490 European chromosomes b y the Genome Aggregation Database (gnomAD). Th is variant is predicted to cause a frameshift, which alters the protein?s amino acid sequence beginning at position 1666 and leads to a premature termination co don 14 amino acids downstream. This alteration is then predicted to lead to a tr uncated or absent protein. Biallelic loss-of-function (LOF) variants in the ALPK 3 gene have been reported in multiple individuals and in a mouse model with card iomyopathy (HCM or mixed HCM/DCM; Almomani 2016, Phelan 2016, Van Sligtenhorst 2 012). In summary, although additional studies are required to fully establish it s clinical significance, the p.Asn1666fs variant is likely pathogenic. ACMG/AMP Criteria applied: PM2, PVS1_Strong.

Clinical Genetics, Academic Medical Center
Classification: Pathogenic. Review status: no assertion criteria provided. Collection method: clinical testing. Allele origin: germline. Affected: yes. Study: VKGL Data-share Consensus. Not counted in ClinVar's aggregate classification.

Diagnostic Laboratory, Department of Genetics, University Medical Center Groningen
Classification: Pathogenic. Review status: no assertion criteria provided. Collection method: clinical testing. Allele origin: germline. Affected: yes. Study: VKGL Data-share Consensus. Not counted in ClinVar's aggregate classification.

Literature cited by the submitters: PubMed 21441111 (cited by Labcorp Genetics (formerly Invitae), Labcorp and Laboratory for Molecular Medicine, Mass General Brigham Personalized Medicine); PubMed 26846950 (cited by Labcorp Genetics (formerly Invitae), Labcorp and Laboratory for Molecular Medicine, Mass General Brigham Personalized Medicine); PubMed 27106955 (cited by Labcorp Genetics (formerly Invitae), Labcorp and Laboratory for Molecular Medicine, Mass General Brigham Personalized Medicine); PubMed 34263907 (cited by Labcorp Genetics (formerly Invitae), Labcorp); PubMed 32480058 (cited by 3 submitters); PubMed 30847666 (cited by Ambry Genetics and Women's Health and Genetics/Laboratory Corporation of America, LabCorp).